The following is an entry in ClinVar:

ClinVar aggregate classification (germline): Likely pathogenic (1 of 4 stars; one submission).

Allele frequency attached by ClinVar (database versions not stated): TOPMed below 0.00001.

Submission:

Labcorp Genetics (formerly Invitae), Labcorp
Classification: Likely pathogenic. Last evaluated: 2023-09-10. Review status: criteria provided, single submitter. Criteria: Invitae Variant Classification Sherloc (09022015). Collection method: clinical testing. Allele origin: germline.
Comment: Advanced modeling of protein sequence and biophysical properties (such as structural, functional, and spatial information, amino acid conservation, physicochemical variation, residue mobility, and thermodynamic stability) performed at Invitae indicates that this missense variant is expected to disrupt MUT protein function. In summary, the currently available evidence indicates that the variant is pathogenic, but additional data are needed to prove that conclusively. Therefore, this variant has been classified as Likely Pathogenic. This variant disrupts the p.Asp625 amino acid residue in MUT. Other variant(s) that disrupt this residue have been observed in individuals with MUT-related conditions (PMID: 22727635, 27167370, 30712249), which suggests that this may be a clinically significant amino acid residue. This variant has not been reported in the literature in individuals affected with MUT-related conditions. This sequence change replaces aspartic acid, which is acidic and polar, with glutamic acid, which is acidic and polar, at codon 625 of the MUT protein (p.Asp625Glu). This variant is not present in population databases (gnomAD no frequency).

Literature cited by the submitters: PubMed 22727635; PubMed 27167370; PubMed 30712249.

NM_000255.4(MMUT):c.1875T>A (p.Asp625Glu)

Gene: MMUT (methylmalonyl-CoA mutase; minus strand). Cytogenetic location: 6p12.3.
Variant type: single nucleotide variant.
Coding change: c.1875T>A on transcript NM_000255.4 (MANE Select); coding-DNA position 1875, T replaced by A.
Protein change: p.Asp625Glu; replaces aspartic acid 625 with glutamic acid.
Molecular consequence: missense variant.
Genome position (GRCh38, 1-based): chr6:49,440,287, A>T on the plus strand (T>A on the coding strand, the complement: MMUT is on the minus strand). VCF-style: chr6-49440287-A-T. GRCh37 (hg19) VCF-style: chr6-49408000-A-T.
Other names: short protein forms D625E.
Identifiers: ClinVar variation 2800750 (VCV002800750.3), dbSNP rs1767239952, ClinGen allele CA364395190.